The following is an entry in ClinVar:

ClinVar aggregate classification (germline): Uncertain significance (1 of 4 stars; one submission).

Conditions:
Cystic fibrosis (CF). Also called: MUCOVISCIDOSIS. Identifiers: Orphanet 586, MedGen C0010674, MONDO:0009061, OMIM 219700. Disease mechanism: loss of function.

Submission:

Ambry Genetics
Classification: Uncertain significance for Cystic fibrosis. Last evaluated: 2025-08-12. Review status: criteria provided, single submitter. Criteria: Ambry Variant Classification Scheme 2023. Collection method: clinical testing. Allele origin: germline.
Comment: The p.G1271D variant (also known as c.3812G>A), located in coding exon 23 of the CFTR gene, results from a G to A substitution at nucleotide position 3812. The glycine at codon 1271 is replaced by aspartic acid, an amino acid with similar properties. This amino acid position is conserved. In addition, this alteration is predicted to be deleterious by in silico analysis. Based on the available evidence, the clinical significance of this variant remains unclear.

NM_000492.4(CFTR):c.3812G>A (p.Gly1271Asp)

Genes: CFTR-AS2 (CFTR antisense RNA 2; minus strand), CFTR (CF transmembrane conductance regulator; plus strand). Cytogenetic location: 7q31.2.
Variant type: single nucleotide variant.
Coding change: c.3812G>A on transcript NM_000492.4 (MANE Select); coding-DNA position 3812, G replaced by A.
Protein change: p.Gly1271Asp; replaces glycine 1271 with aspartic acid.
Molecular consequence: missense variant.
Genome position (GRCh38, 1-based): chr7:117,642,532, G>A. VCF-style: chr7-117642532-G-A. GRCh37 (hg19) VCF-style: chr7-117282586-G-A.
Other names: short protein forms G1271D.
Identifiers: ClinVar variation 4227430 (VCV004227430.1).